The following is an entry in ClinVar:

NM_000059.4(BRCA2):c.5233A>T (p.Met1745Leu)

Gene: BRCA2 (BRCA2 DNA repair associated; plus strand). Cytogenetic location: 13q13.1.
Variant type: single nucleotide variant.
Coding change: c.5233A>T on transcript NM_000059.4 (MANE Select); coding-DNA position 5233, A replaced by T.
Protein change: p.Met1745Leu; replaces methionine 1745 with leucine.
Molecular consequence: missense variant.
Genome position (GRCh38, 1-based): chr13:32,339,588, A>T. VCF-style: chr13-32339588-A-T. GRCh37 (hg19) VCF-style: chr13-32913725-A-T.
Other names: short protein forms M1745L.
Identifiers: ClinVar variation 1426683 (VCV001426683.7), dbSNP rs786202206, ClinGen allele CA387784664.

ClinVar aggregate classification (germline): Conflicting classifications of pathogenicity. Review status: criteria provided, conflicting classifications (1 of 4 stars). 2 submissions from 2 submitters: Uncertain significance (1); Likely benign (1). Last evaluated 2023-12-07.

Conditions:
Hereditary cancer-predisposing syndrome. Also called: Tumor predisposition; Hereditary neoplastic syndrome; Neoplastic Syndromes, Hereditary; Hereditary Cancer Syndrome. Identifiers: Orphanet 140162, MedGen C0027672, MeSH D009386, MONDO:0015356.
Hereditary breast ovarian cancer syndrome. Also called: Hereditary breast and ovarian cancer syndrome; Hereditary breast and/or ovarian cancer syndrome; Hereditary breast and ovarian cancer; Breast and ovarian cancer; Hereditary breast and ovarian cancer syndrome (HBOC); BRCA1- and BRCA2-Associated Hereditary Breast and Ovarian Cancer. Identifiers: Orphanet 145, MedGen C0677776, MeSH D061325, MONDO:0003582. Disease mechanism: loss of function.

Submissions (2):

Labcorp Genetics (formerly Invitae), Labcorp
Classification: Uncertain significance for Hereditary breast ovarian cancer syndrome. Last evaluated: 2023-12-07. Review status: criteria provided, single submitter. Criteria: Invitae Variant Classification Sherloc (09022015). Collection method: clinical testing. Allele origin: germline.
Comment: This sequence change replaces methionine, which is neutral and non-polar, with leucine, which is neutral and non-polar, at codon 1745 of the BRCA2 protein (p.Met1745Leu). This variant is not present in population databases (gnomAD no frequency). This variant has not been reported in the literature in individuals affected with BRCA2-related conditions. ClinVar contains an entry for this variant (Variation ID: 1426683). Advanced modeling of protein sequence and biophysical properties (such as structural, functional, and spatial information, amino acid conservation, physicochemical variation, residue mobility, and thermodynamic stability) performed at Invitae indicates that this missense variant is not expected to disrupt BRCA2 protein function with a negative predictive value of 95%. In summary, the available evidence is currently insufficient to determine the role of this variant in disease. Therefore, it has been classified as a Variant of Uncertain Significance.

University of Washington Department of Laboratory Medicine, University of Washington
Classification: Likely benign for Hereditary cancer-predisposing syndrome. Last evaluated: 2023-03-23. Review status: criteria provided, single submitter. Criteria: Dines et al. (Genet Med. 2020). Collection method: curation. Allele origin: germline.
Comment: Missense variant in a coldspot region where missense variants are very unlikely to be pathogenic (PMID:31911673).

BRCA2 exon 11 coldspot. Reclassification based on statistical prior probability.